The following is an entry in ClinVar:

NM_000093.5(COL5A1):c.2386-9C>T

Gene: COL5A1 (collagen type V alpha 1 chain; plus strand). Cytogenetic location: 9q34.3.
Variant type: single nucleotide variant.
Coding change: c.2386-9C>T on transcript NM_000093.5 (MANE Select); 9 bases into the intron before coding-DNA position 2386, C replaced by T.
Molecular consequence: intron variant.
Genome position (GRCh38, 1-based): chr9:134,780,093, C>T. VCF-style: chr9-134780093-C-T. GRCh37 (hg19) VCF-style: chr9-137671939-C-T.
Other names: c.2386-9C>T (NM_001278074.1).
Identifiers: ClinVar variation 390739 (VCV000390739.3), dbSNP rs1057523879, ClinGen allele CA16606346.

ClinVar aggregate classification (germline): Likely benign. Review status: criteria provided, multiple submitters, no conflicts (2 of 4 stars). 2 submissions from 2 submitters: Likely benign (2). Last evaluated 2025-08-24.

Conditions:
Ehlers-Danlos syndrome, classic type, 1 (EDSCL1). Also called: EHLERS-DANLOS SYNDROME, GRAVIS TYPE; EHLERS-DANLOS SYNDROME, SEVERE CLASSIC TYPE; Ehlers-Danlos Syndrome, Classic Type, COL5A1-Related; EDS I; Ehlers-Danlos syndrome, type 1. Identifiers: MedGen C0268335, MONDO:0019567, OMIM 130000.

Allele frequency attached by ClinVar (database versions not stated): gnomAD exomes below 0.00001.
gnomAD v4.1: 1 of 1,613,498 alleles (0.000062%); highest among the groups gnomAD compares: Non-Finnish European, 0.000085%; no homozygotes.

Submissions (2):

Labcorp Genetics (formerly Invitae), Labcorp
Classification: Likely benign for Ehlers-Danlos syndrome, classic type, 1. Last evaluated: 2025-08-24. Review status: criteria provided, single submitter. Criteria: Invitae Variant Classification Sherloc (09022015). Collection method: clinical testing. Allele origin: germline.

GeneDx
Classification: Likely benign. Last evaluated: 2016-11-10. Review status: criteria provided, single submitter. Criteria: GeneDx Variant Classification (06012015). Collection method: clinical testing. Allele origin: germline. Affected: yes.
Comment: This variant is considered likely benign or benign based on one or more of the following criteria: it is a conservative change, it occurs at a poorly conserved position in the protein, it is predicted to be benign by multiple in silico algorithms, and/or has population frequency not consistent with disease.